The following is an entry in ClinVar:

NM_002439.5(MSH3):c.757G>C (p.Gly253Arg)

Gene: MSH3 (mutS homolog 3; plus strand). Cytogenetic location: 5q14.1.
Variant type: single nucleotide variant.
Coding change: c.757G>C on transcript NM_002439.5 (MANE Select); coding-DNA position 757, G replaced by C.
Protein change: p.Gly253Arg; replaces glycine 253 with arginine.
Molecular consequence: missense variant.
Genome position (GRCh38, 1-based): chr5:80,670,274, G>C. VCF-style: chr5-80670274-G-C. GRCh37 (hg19) VCF-style: chr5-79966093-G-C.
Other names: short protein forms G253R.
Identifiers: ClinVar variation 3398694 (VCV003398694.1).
Genomic context (GRCh38, chr5:80,670,274, plus strand): 5'-GAATTACAATACATAGAAATGAAGCAGCAGCACAAAGATGCAGTTTTGTGTGTGGAATGT[G>C]GATATAAGTATAGATTCTTTGGGGAAGATGCAGAGGTAAGTCGTCTTTTCAGGCACTATT-3'
Protein context (NP_002430.3, residues 243-263): HKDAVLCVEC[Gly253Arg]YKYRFFGEDA

ClinVar aggregate classification (germline): Uncertain significance (1 of 4 stars; one submission).

Conditions:
Hereditary cancer-predisposing syndrome. Also called: Hereditary Cancer Syndrome; Tumor predisposition; Hereditary neoplastic syndrome; Neoplastic Syndromes, Hereditary. Identifiers: Orphanet 140162, MedGen C0027672, MeSH D009386, MONDO:0015356.

Submission:

Ambry Genetics
Classification: Uncertain significance for Hereditary cancer-predisposing syndrome. Last evaluated: 2024-07-13. Review status: criteria provided, single submitter. Criteria: Ambry Variant Classification Scheme 2023. Collection method: clinical testing. Allele origin: germline.
Comment: The p.G253R variant (also known as c.757G>C), located in coding exon 4 of the MSH3 gene, results from a G to C substitution at nucleotide position 757. The glycine at codon 253 is replaced by arginine, an amino acid with dissimilar properties. This amino acid position is conserved. In addition, this alteration is predicted to be deleterious by in silico analysis. Based on the available evidence, the clinical significance of this variant remains unclear.